The following is an entry in ClinVar:

NM_000552.5(VWF):c.533-2A>G

Gene: VWF (von Willebrand factor; minus strand). Cytogenetic location: 12p13.31.
Variant type: single nucleotide variant.
Coding change: c.533-2A>G on transcript NM_000552.5 (MANE Select); the canonical splice acceptor site of the intron before coding-DNA position 533, A replaced by G.
Molecular consequence: splice acceptor variant.
Genome position (GRCh38, 1-based): chr12:6,095,586, T>C on the plus strand (A>G on the coding strand, the complement: VWF is on the minus strand). VCF-style: chr12-6095586-T-C. GRCh37 (hg19) VCF-style: chr12-6204752-T-C.
Other names: c.533-2A>G (NM_000552.4).
Identifiers: ClinVar variation 100424 (VCV000100424.5), dbSNP rs267607301, ClinGen allele CA228712.

ClinVar aggregate classification (germline): Pathogenic. Review status: criteria provided, single submitter (1 of 4 stars). 3 submissions from 3 submitters: Pathogenic (1). 2 of the submissions do not count toward it. Last evaluated 2023-10-04.

Conditions:
von Willebrand disease type 3 (VWD3). Also called: Type 3 Von Willebrand's disease; Type 3 VWD; Von Willebrand disease, severe form; V WD3; VON WILLEBRAND DISEASE, TYPE III. Identifiers: Orphanet 166096, MedGen C1264041, MONDO:0010191, OMIM 277480.

Submissions (3):

Revvity Omics, Revvity
Classification: Pathogenic. Last evaluated: 2023-10-04. Review status: criteria provided, single submitter. Criteria: ACMG Guidelines, 2015. Collection method: clinical testing. Allele origin: germline.

Angelo Bianchi Bonomi Hemophilia and Thrombosis Center, Fondazione IRCCS Ca Granda Ospedale Maggiore Policlinico
Classification: Likely pathogenic for von Willebrand disease type 3. Last evaluated: 2020-11-01. Review status: no assertion criteria provided. Collection method: clinical testing. Allele origin: germline. Affected: yes. Study: Type 3 Von Willebrand International Registries Inhibitor Prospective Study (3WINTERS-IPS). Not counted in ClinVar's aggregate classification.
Comment: ClinGen Pathogenicity Calculator

Academic Unit of Haematology, University of Sheffield
No classification provided. Review status: no classification provided. Collection method: not provided. Allele origin: not provided. Not counted in ClinVar's aggregate classification.